The following is an entry in ClinVar:

NM_015192.4(PLCB1):c.2422G>A (p.Glu808Lys)

Gene: PLCB1 (phospholipase C beta 1; plus strand). Cytogenetic location: 20p12.3.
Variant type: single nucleotide variant.
Coding change: c.2422G>A on transcript NM_015192.4 (MANE Select); coding-DNA position 2422, G replaced by A.
Protein change: p.Glu808Lys; replaces glutamic acid 808 with lysine.
Molecular consequence: missense variant.
Genome position (GRCh38, 1-based): chr20:8,741,472, G>A. VCF-style: chr20-8741472-G-A. GRCh37 (hg19) VCF-style: chr20-8722119-G-A.
Other names: c.2422G>A, p.Glu808Lys (NM_182734.3); short protein forms E808K.
Identifiers: ClinVar variation 2149920 (VCV002149920.1), dbSNP rs1370024637, ClinGen allele CA408208227.

ClinVar aggregate classification (germline): Uncertain significance (1 of 4 stars; one submission).

Conditions:
Developmental and epileptic encephalopathy, 12 (DEE12). Identifiers: MedGen C3150988, MONDO:0013389, OMIM 613722.

Allele frequency attached by ClinVar (database versions not stated): gnomAD exomes below 0.00001; TOPMed 0.00001.
gnomAD v4.1: 5 of 1,611,730 alleles (0.00031%); highest among the groups gnomAD compares: Non-Finnish European, 0.00042%; no homozygotes.

Submission:

Labcorp Genetics (formerly Invitae), Labcorp
Classification: Uncertain significance for Developmental and epileptic encephalopathy, 12. Last evaluated: 2022-02-08. Review status: criteria provided, single submitter. Criteria: Invitae Variant Classification Sherloc (09022015). Collection method: clinical testing. Allele origin: germline.
Comment: This sequence change replaces glutamic acid, which is acidic and polar, with lysine, which is basic and polar, at codon 808 of the PLCB1 protein (p.Glu808Lys). This variant is not present in population databases (gnomAD no frequency). This variant has not been reported in the literature in individuals affected with PLCB1-related conditions. Algorithms developed to predict the effect of missense changes on protein structure and function are either unavailable or do not agree on the potential impact of this missense change (SIFT: "Deleterious"; PolyPhen-2: "Benign"; Align-GVGD: "Class C0"). In summary, the available evidence is currently insufficient to determine the role of this variant in disease. Therefore, it has been classified as a Variant of Uncertain Significance.